The following is an entry in ClinVar:

ClinVar aggregate classification (germline): Conflicting classifications of pathogenicity. Review status: criteria provided, conflicting classifications (1 of 4 stars). 4 submissions from 4 submitters: Uncertain significance (2); Likely benign (2). Last evaluated 2026-01-21.

Allele frequency attached by ClinVar (database versions not stated): gnomAD exomes 0.00005 and 0.00011; ExAC 0.00012; gnomAD 0.00045 and 0.00051; ESP Exome Variant Server 0.00046; TOPMed 0.00053.
gnomAD v4.1: 136 of 1,613,958 alleles (0.0084%); highest among the groups gnomAD compares: African/African-American, 0.17%; 1 homozygote.

Submissions (4):

Labcorp Genetics (formerly Invitae), Labcorp
Classification: Likely benign. Last evaluated: 2026-01-21. Review status: criteria provided, single submitter. Criteria: Invitae Variant Classification Sherloc (09022015). Collection method: clinical testing. Allele origin: germline.

Women's Health and Genetics/Laboratory Corporation of America, LabCorp
Classification: Likely benign. Last evaluated: 2024-12-10. Review status: criteria provided, single submitter. Criteria: LabCorp Variant Classification Summary - May 2015. Collection method: clinical testing. Allele origin: germline.
Comment: Variant summary: VLDLR c.2371G>A (p.Val791Ile) results in a conservative amino acid change in the encoded protein sequence. Five of five in-silico tools predict a benign effect of the variant on protein function. The variant allele was found at a frequency of 0.00011 in 251338 control chromosomes, predominantly at a frequency of 0.0015 within the African or African-American subpopulation in the gnomAD database. The observed variant frequency within African or African-American control individuals in the gnomAD database is approximately 1.34 fold of the estimated maximal expected allele frequency for a pathogenic variant in VLDLR causing Cerebellar Ataxia, Mental Retardation, And Dysequilibrium Syndrome 1 phenotype (0.0011). To our knowledge, no occurrence of c.2371G>A in individuals affected with Cerebellar Ataxia, Mental Retardation, And Dysequilibrium Syndrome 1 and no experimental evidence demonstrating its impact on protein function have been reported. ClinVar contains an entry for this variant (Variation ID: 437225). Based on the evidence outlined above, the variant was classified as likely benign.

GeneDx
Classification: Uncertain significance. Last evaluated: 2022-09-15. Review status: criteria provided, single submitter. Criteria: GeneDx Variant Classification Process June 2021. Collection method: clinical testing. Allele origin: germline. Affected: yes.
Comment: In silico analysis, which includes protein predictors and evolutionary conservation, supports that this variant does not alter protein structure/function; Has not been previously published as pathogenic or benign to our knowledge; In silico analysis suggests this variant may impact gene splicing. In the absence of RNA/functional studies, the actual effect of this sequence change is unknown.

Genetic Services Laboratory, University of Chicago
Classification: Uncertain significance. Last evaluated: 2017-06-05. Review status: criteria provided, single submitter. Criteria: ACMG Guidelines, 2015. Collection method: clinical testing. Allele origin: germline. Affected: no.

NM_003383.5(VLDLR):c.2371G>A (p.Val791Ile)

Gene: VLDLR (very low density lipoprotein receptor; plus strand). Cytogenetic location: 9p24.2.
Variant type: single nucleotide variant.
Coding change: c.2371G>A on transcript NM_003383.5 (MANE Select); coding-DNA position 2371, G replaced by A.
Protein change: p.Val791Ile; replaces valine 791 with isoleucine.
Molecular consequence: missense variant.
Genome position (GRCh38, 1-based): chr9:2,651,909, G>A. VCF-style: chr9-2651909-G-A. GRCh37 (hg19) VCF-style: chr9-2651909-G-A.
Other names: c.2287G>A, p.Val763Ile (NM_001018056.3); c.2248G>A, p.Val750Ile (NM_001322225.2); c.2164G>A, p.Val722Ile (NM_001322226.2); short protein forms V791I, V763I, V750I, V722I.
Identifiers: ClinVar variation 437225 (VCV000437225.20), dbSNP rs35334949, ClinGen allele CA4965176.